The following is an entry in ClinVar:

NM_053025.4(MYLK):c.2227G>A (p.Ala743Thr)

Gene: MYLK (myosin light chain kinase; minus strand). Cytogenetic location: 3q21.1.
Variant type: single nucleotide variant.
Coding change: c.2227G>A on transcript NM_053025.4 (MANE Select); coding-DNA position 2227, G replaced by A.
Protein change: p.Ala743Thr; replaces alanine 743 with threonine.
Molecular consequence: missense variant.
Genome position (GRCh38, 1-based): chr3:123,707,917, C>T on the plus strand (G>A on the coding strand, the complement: MYLK is on the minus strand). VCF-style: chr3-123707917-C-T. GRCh37 (hg19) VCF-style: chr3-123426764-C-T.
Other names: c.1699G>A, p.Ala567Thr (NM_001321309.2); c.2020G>A, p.Ala674Thr (NM_053026.4, NM_053028.4); c.2227G>A, p.Ala743Thr (NM_053027.4); short protein forms A674T, A743T, A567T.
Identifiers: ClinVar variation 915489 (VCV000915489.15), dbSNP rs145191000, ClinGen allele CA068309.

ClinVar aggregate classification (germline): Conflicting classifications of pathogenicity. Review status: criteria provided, conflicting classifications (1 of 4 stars). 5 submissions from 5 submitters: Uncertain significance (2); Likely benign (3). Last evaluated 2025-11-25.

Conditions:
Aortic aneurysm, familial thoracic 7 (AAT7). Also called: AORTIC DISSECTION, FAMILIAL, WITH OR WITHOUT AORTIC ANEURYSM. Identifiers: MedGen C3151077, MONDO:0013418, OMIM 613780.
Familial thoracic aortic aneurysm and aortic dissection (TAAD). Also called: Thoracic aortic aneurysms and dissections. Identifiers: Orphanet 91387, MedGen C4707243, MONDO:0019625.

Allele frequency attached by ClinVar (database versions not stated): gnomAD 0.00001 and 0.00003; gnomAD exomes 0.00004 and 0.00012; TOPMed 0.00004; ExAC 0.00010; 1000 Genomes Project 0.00040; 1000 Genomes Project 30x 0.00047.
gnomAD v4.1: 62 of 1,614,194 alleles (0.0038%); highest among the groups gnomAD compares: Admixed American, 0.045%; no homozygotes.

Submissions (5):

Labcorp Genetics (formerly Invitae), Labcorp
Classification: Likely benign for Aortic aneurysm, familial thoracic 7. Last evaluated: 2025-11-25. Review status: criteria provided, single submitter. Criteria: Invitae Variant Classification Sherloc (09022015). Collection method: clinical testing. Allele origin: germline.

Ambry Genetics
Classification: Uncertain significance for Familial thoracic aortic aneurysm and aortic dissection. Last evaluated: 2022-05-16. Review status: criteria provided, single submitter. Criteria: Ambry Variant Classification Scheme 2023. Collection method: clinical testing. Allele origin: germline.
Comment: The p.A743T variant (also known as c.2227G>A), located in coding exon 13 of the MYLK gene, results from a G to A substitution at nucleotide position 2227. The alanine at codon 743 is replaced by threonine, an amino acid with similar properties. This amino acid position is conserved. In addition, this alteration is predicted to be tolerated by in silico analysis. Since supporting evidence is limited at this time, the clinical significance of this alteration remains unclear.

GeneDx
Classification: Uncertain significance. Last evaluated: 2022-01-24. Review status: criteria provided, single submitter. Criteria: GeneDx Variant Classification Process June 2021. Collection method: clinical testing. Allele origin: germline. Affected: yes.
Comment: Has not been previously published as pathogenic or benign to our knowledge; In silico analysis supports that this missense variant does not alter protein structure/function; Reported in ClinVar but additional evidence is not available (ClinVar Variant ID#915489); This variant is associated with the following publications: (PMID: 27535533)

Women's Health and Genetics/Laboratory Corporation of America, LabCorp
Classification: Likely benign. Last evaluated: 2020-11-16. Review status: criteria provided, single submitter. Criteria: LabCorp Variant Classification Summary - May 2015. Collection method: clinical testing. Allele origin: germline.
Comment: Variant summary: MYLK c.2227G>A (p.Ala743Thr) results in a non-conservative amino acid change located in the Immunoglobulin-like domain of the encoded protein sequence. Three of five in-silico tools predict a damaging effect of the variant on protein function. The variant allele was found at a frequency of 0.00012 in 251352 control chromosomes, predominantly at a frequency of 0.00064 within the Latino subpopulation in the gnomAD database. The observed variant frequency within Latino control individuals in the gnomAD database is approximately 13 fold of the estimated maximal expected allele frequency for a pathogenic variant in MYLK causing Thoracic Aortic Aneurysms And Dissections phenotype (5e-05), strongly suggesting that the variant is a benign polymorphism found primarily in populations of Latino origin. To our knowledge, no occurrence of c.2227G>A in individuals affected with Thoracic Aortic Aneurysms And Dissections and no experimental evidence demonstrating its impact on protein function have been reported. One clinical diagnostic laboratory has submitted clinical-significance assessments for this variant to ClinVar after 2014 without evidence for independent evaluation and classified the variant as likely benign. Based on the evidence outlined above, the variant was classified as likely benign.

CHEO Genetics Diagnostic Laboratory, Children's Hospital of Eastern Ontario
Classification: Likely benign for Familial thoracic aortic aneurysm and aortic dissection. Last evaluated: 2017-11-08. Review status: criteria provided, single submitter. Criteria: ACMG Guidelines, 2015. Collection method: clinical testing. Allele origin: germline.